The following is an entry in ClinVar:

NM_000051.4(ATM):c.4109+1G>T

Gene: ATM (ATM serine/threonine kinase; plus strand). Cytogenetic location: 11q22.3.
Variant type: single nucleotide variant.
Coding change: c.4109+1G>T on transcript NM_000051.4 (MANE Select); the canonical splice donor site of the intron after coding-DNA position 4109, G replaced by T.
Molecular consequence: splice donor variant.
Genome position (GRCh38, 1-based): chr11:108,287,716, G>T. VCF-style: chr11-108287716-G-T. GRCh37 (hg19) VCF-style: chr11-108158443-G-T.
Other names: c.4109+1G>T (NM_001351834.2).
Identifiers: ClinVar variation 245985 (VCV000245985.16), dbSNP rs879254034, ClinGen allele CA10584341.

ClinVar aggregate classification (germline): Likely pathogenic. Review status: criteria provided, multiple submitters, no conflicts (2 of 4 stars). 7 submissions from 7 submitters: Likely pathogenic (7). Last evaluated 2025-10-24.

Conditions:
Ataxia-telangiectasia syndrome (AT). Also called: Cerebello-oculocutaneous telangiectasia; Immunodeficiency with ataxia telangiectasia; Ataxia-telangiectasia; Ataxia telangiectasia (A-T); LOUIS-BAR SYNDROME; Ataxia-telangiectasia, complementation group D. Identifiers: Orphanet 100, MedGen C0004135, MONDO:0008840, OMIM 208900.
Familial cancer of breast. Also called: BREAST CANCER, FAMILIAL; Hereditary breast cancer; hereditary breast carcinoma. Identifiers: Orphanet 227535, MedGen C0346153, MONDO:0016419, OMIM 114480. Disease mechanism: loss of function.
Hereditary cancer-predisposing syndrome. Also called: Neoplastic Syndromes, Hereditary; Tumor predisposition; Hereditary neoplastic syndrome; Hereditary Cancer Syndrome. Identifiers: Orphanet 140162, MedGen C0027672, MeSH D009386, MONDO:0015356.

Allele frequency attached by ClinVar (database versions not stated): gnomAD exomes below 0.00001.
gnomAD v4.1: 1 of 1,606,372 alleles (0.000062%); highest among the groups gnomAD compares: South Asian, 0.0011%; no homozygotes.

Submissions (7):

Labcorp Genetics (formerly Invitae), Labcorp
Classification: Likely pathogenic for Ataxia-telangiectasia syndrome. Last evaluated: 2025-10-24. Review status: criteria provided, single submitter. Criteria: Invitae Variant Classification Sherloc (09022015). Collection method: clinical testing. Allele origin: germline.
Comment: This sequence change affects a donor splice site in intron 27 of the ATM gene. RNA analysis indicates that disruption of this splice site induces altered splicing and may result in an absent or altered protein product. This variant is not present in population databases (gnomAD no frequency). This variant has not been reported in the literature in individuals affected with ATM-related conditions. ClinVar contains an entry for this variant (Variation ID: 245985). Studies have shown that disruption of this splice site results in retention of intron 26 and skipping of exon 27, and produces a non-functional protein and/or introduces a premature termination codon (internal data). In summary, the currently available evidence indicates that the variant is pathogenic, but additional data are needed to prove that conclusively. Therefore, this variant has been classified as Likely Pathogenic.

Fulgent Genetics
Classification: Likely pathogenic for Familial cancer of breast; Ataxia-telangiectasia syndrome. Last evaluated: 2024-05-15. Review status: criteria provided, single submitter. Criteria: ACMG Guidelines, 2015. Collection method: clinical testing. Allele origin: germline.

Myriad Genetics, Inc.
Classification: Likely pathogenic for Familial cancer of breast. Last evaluated: 2024-01-23. Review status: criteria provided, single submitter. Criteria: Myriad Autosomal Dominant, Autosomal Recessive and X-Linked Classification Criteria (2023). Collection method: clinical testing. Allele origin: unknown.
Comment: This variant is considered likely pathogenic. This variant occurs within a consensus splice junction and is predicted to result in abnormal mRNA splicing of either an out-of-frame exon or an in-frame exon necessary for protein stability and/or normal function.

Baylor Genetics
Classification: Likely pathogenic for Familial cancer of breast. Last evaluated: 2022-10-18. Review status: criteria provided, single submitter. Criteria: ACMG Guidelines, 2015. Collection method: clinical testing. Allele origin: unknown.

Illumina Laboratory Services, Illumina
Classification: Likely pathogenic for Ataxia-telangiectasia syndrome. Last evaluated: 2022-03-28. Review status: criteria provided, single submitter. Criteria: ICSLVariantClassificationCriteria RUGD 01 April 2020. Collection method: clinical testing. Allele origin: unknown.
Comment: The ATM c.4109+1G>T variant results in the substitution of a guanine within the consensus splice donor site with a thymine, which may result in splicing defects. To our knowledge, this variant has not been reported in the peer-reviewed literature. This variant is not found in version 2.1.1 or version 3.1.2 of the Genome Aggregation Database. Based on the available evidence, the c.4109+1G>T variant is classified as likely pathogenic for ataxia-telangiectasia.

GeneDx
Classification: Likely pathogenic. Last evaluated: 2020-04-15. Review status: criteria provided, single submitter. Criteria: GeneDx Variant Classification Process June 2021. Collection method: clinical testing. Allele origin: germline. Affected: yes.
Comment: Canonical splice site variant predicted to result in a null allele in a gene for which loss-of-function is a known mechanism of disease; Not observed in large population cohorts (Lek 2016); Has not been previously published as pathogenic or benign to our knowledge

Ambry Genetics
Classification: Likely pathogenic for Hereditary cancer-predisposing syndrome. Last evaluated: 2017-10-23. Review status: criteria provided, single submitter. Criteria: Ambry Variant Classification Scheme 2023. Collection method: clinical testing. Allele origin: germline.
Comment: The c.4109+1G>T intronic variant results from a G to T substitution one nucleotide after coding exon 26 of the ATM gene. This nucleotide position is highly conserved in available vertebrate species. Using the BDGP and ESEfinder splice site prediction tools, this alteration is predicted to abolish the native splice donor site; however, direct evidence is unavailable. Alterations that disrupt the canonical splice site are expected to cause aberrant splicing, resulting in an abnormal protein or a transcript that is subject to nonsense-mediated mRNA decay. As such, this alteration is classified as likely pathogenic.